The following is an entry in ClinVar:

ClinVar aggregate classification (germline): Uncertain significance. Review status: criteria provided, multiple submitters, no conflicts (2 of 4 stars). 4 submissions from 4 submitters: Uncertain significance (4). Last evaluated 2024-08-13.

Conditions:
Cardiomyopathy (CMYO). Also called: Cardiomyopathies. Identifiers: Orphanet 167848, MedGen C0878544, MONDO:0004994, HP:0001638. Inheritance: Various modes of inheritance.

Allele frequency attached by ClinVar (database versions not stated): gnomAD exomes below 0.00001 and 0.00002; TOPMed 0.00001.
gnomAD v4.1: 29 of 1,613,552 alleles (0.0018%); highest among the groups gnomAD compares: Non-Finnish European, 0.0023%; no homozygotes.

Submissions (4):

All of Us Research Program, National Institutes of Health
Classification: Uncertain significance for Cardiomyopathy. Last evaluated: 2024-08-13. Review status: criteria provided, single submitter. Criteria: ACMG Guidelines, 2015. Collection method: clinical testing. Allele origin: germline. Inheritance: Autosomal dominant inheritance. Observed: 3 variant alleles, 3 heterozygotes.
Comment: This variant is located in the 5' untranslated region of the MYH7 protein. To our knowledge, functional studies have not been reported for this variant. This variant has not been reported in individuals affected with cardiovascular disorders in the literature. This variant has been identified in 1/250532 chromosomes in the general population by the Genome Aggregation Database (gnomAD). The available evidence is insufficient to determine the role of this variant in disease conclusively. Therefore, this variant is classified as a Variant of Uncertain Significance.

This study involves interpretation of variants in research participants for the purpose of population health screening. Participant phenotype was not available at the time of variant classification. Additional details can be found in publication PMID: 35346344, PMCID: PMC8962531

Color Diagnostics, LLC DBA Color Health
Classification: Uncertain significance for Cardiomyopathy. Last evaluated: 2024-07-24. Review status: criteria provided, single submitter. Criteria: ACMG Guidelines, 2015. Collection method: clinical testing. Allele origin: germline.
Comment: This variant is located in the 5' untranslated region of the MYH7 gene. To our knowledge, functional studies have not been reported for this variant. This variant has not been reported in individuals affected with cardiovascular disorders in the literature. This variant has been identified in 1/250532 chromosomes in the general population by the Genome Aggregation Database (gnomAD). The available evidence is insufficient to determine the role of this variant in disease conclusively. Therefore, this variant is classified as a Variant of Uncertain Significance.

CHEO Genetics Diagnostic Laboratory, Children's Hospital of Eastern Ontario
Classification: Uncertain significance for Cardiomyopathy. Last evaluated: 2022-08-23. Review status: criteria provided, single submitter. Criteria: ACMG Guidelines, 2015. Collection method: clinical testing. Allele origin: germline.

Laboratory for Molecular Medicine, Mass General Brigham Personalized Medicine
Classification: Uncertain significance. Last evaluated: 2015-07-28. Review status: criteria provided, single submitter. Criteria: LMM Criteria. Collection method: clinical testing. Allele origin: germline. Observed: 1 variant allele.
Comment: The c.-7C>A variant in MYH7 has not been previously reported in individuals with cardiomyopathy or in large population studies. This variant is located in the u ntranslated region upstream of the initiation codon. Computational tools do not suggest an impact to splicing. However, this information is not predictive enoug h to rule out pathogenicity. In summary, the clinical significance of the c.-7C> A variant is uncertain.

NM_000257.4(MYH7):c.-7C>A

Gene: MYH7 (myosin heavy chain 7; minus strand). Cytogenetic location: 14q11.2.
Variant type: single nucleotide variant.
Coding change: c.-7C>A on transcript NM_000257.4 (MANE Select); 7 bases upstream of the start codon, C replaced by A.
Molecular consequence: 5 prime UTR variant.
Genome position (GRCh38, 1-based): chr14:23,433,739, G>T on the plus strand (C>A on the coding strand, the complement: MYH7 is on the minus strand). VCF-style: chr14-23433739-G-T. GRCh37 (hg19) VCF-style: chr14-23902948-G-T.
Identifiers: ClinVar variation 228921 (VCV000228921.11), dbSNP rs876657890, ClinGen allele CA10576965.